The following is an entry in ClinVar:

ClinVar aggregate classification (germline): Uncertain significance (1 of 4 stars; one submission).

Submission:

Labcorp Genetics (formerly Invitae), Labcorp
Classification: Uncertain significance. Last evaluated: 2022-11-06. Review status: criteria provided, single submitter. Criteria: Invitae Variant Classification Sherloc (09022015). Collection method: clinical testing. Allele origin: germline.
Comment: In summary, the available evidence is currently insufficient to determine the role of this variant in disease. Therefore, it has been classified as a Variant of Uncertain Significance. Algorithms developed to predict the effect of missense changes on protein structure and function (SIFT, PolyPhen-2, Align-GVGD) all suggest that this variant is likely to be tolerated. This variant has not been reported in the literature in individuals affected with CDC42-related conditions. This variant is not present in population databases (gnomAD no frequency). This sequence change replaces proline, which is neutral and non-polar, with glutamine, which is neutral and polar, at codon 182 of the CDC42 protein (p.Pro182Gln).

NM_001791.4(CDC42):c.545C>A (p.Pro182Gln)

Gene: CDC42 (cell division cycle 42; plus strand). Cytogenetic location: 1p36.12.
Variant type: single nucleotide variant.
Coding change: c.545C>A on transcript NM_001791.4 (MANE Select); coding-DNA position 545, C replaced by A.
Protein change: p.Pro182Gln; replaces proline 182 with glutamine.
Molecular consequence: missense variant.
Genome position (GRCh38, 1-based): chr1:22,091,486, C>A. VCF-style: chr1-22091486-C-A. GRCh37 (hg19) VCF-style: chr1-22417979-C-A.
Other names: c.545C>A, p.Pro182Gln (NM_001039802.2); short protein forms P182Q.
Identifiers: ClinVar variation 2812434 (VCV002812434.3), dbSNP rs1240303878, ClinGen allele CA338909758.